The following is an entry in ClinVar:

ClinVar aggregate classification (germline): Uncertain significance (1 of 4 stars; one submission).

gnomAD v4.1: 330 of 1,613,850 alleles (0.02%); highest among the groups gnomAD compares: Non-Finnish European, 0.025%; no homozygotes.

Submission:

Labcorp Genetics (formerly Invitae), Labcorp
Classification: Uncertain significance. Last evaluated: 2024-12-24. Review status: criteria provided, single submitter. Criteria: Invitae Variant Classification Sherloc (09022015). Collection method: clinical testing. Allele origin: germline.
Comment: This sequence change replaces proline, which is neutral and non-polar, with threonine, which is neutral and polar, at codon 801 of the AGAP1 protein (p.Pro801Thr). This variant is present in population databases (rs368301945, gnomAD 0.01%). This missense change has been observed in individual(s) with autism (PMID: 15892143). An algorithm developed to predict the effect of missense changes on protein structure and function (PolyPhen-2) suggests that this variant is likely to be disruptive. In summary, the available evidence is currently insufficient to determine the role of this variant in disease. Therefore, it has been classified as a Variant of Uncertain Significance.

Literature cited by the submitters: PubMed 15892143.

NM_001037131.3(AGAP1):c.2560C>A (p.Pro854Thr)

Gene: AGAP1 (ArfGAP with GTPase domain, ankyrin repeat and PH domain 1; plus strand). Cytogenetic location: 2q37.2.
Variant type: single nucleotide variant.
Coding change: c.2560C>A on transcript NM_001037131.3 (MANE Select); coding-DNA position 2560, C replaced by A.
Protein change: p.Pro854Thr; replaces proline 854 with threonine.
Molecular consequence: missense variant.
Genome position (GRCh38, 1-based): chr2:236,124,108, C>A. VCF-style: chr2-236124108-C-A. GRCh37 (hg19) VCF-style: chr2-237032752-C-A.
Other names: c.2401C>A, p.Pro801Thr (NM_014914.5); short protein forms P854T, P801T.
Identifiers: ClinVar variation 3706755 (VCV003706755.2).
Genomic context (GRCh38, chr2:236,124,108, plus strand): 5'-ATGGCCACCCCTAACCTGTCCAGGAGAAACAATAACCGGAACAACAGCAGTGGGAGGGTG[C>A]CCACCATCATCTGAGGAACAGCCGTGCCCGCCTGCTCGCCGCACCTGGGACGCGGCAGCC-3'
Protein context (NP_001032208.1, residues 844-857): NNRNNSSGRV[Pro854Thr]TII